The following is an entry in ClinVar:

ClinVar aggregate classification (germline): Uncertain significance. Review status: criteria provided, multiple submitters, no conflicts (2 of 4 stars). 4 submissions from 4 submitters: Uncertain significance (3). 1 of the submissions does not count toward it. Last evaluated 2024-10-25.

Conditions:
KIF7-related disorder. Also called: KIF7-related condition.
Hydrolethalus syndrome 2 (HLS2). Identifiers: Orphanet 2189, MedGen C3279899, MONDO:0013585, OMIM 614120.
Acrocallosal syndrome (ACLS). Also called: HALLUX DUPLICATION, POSTAXIAL POLYDACTYLY, AND ABSENCE OF CORPUS CALLOSUM; Schinzel syndrome 1; Absence of corpus callosum with unusual facial appearance, mental deficiency, duplication of the halluces and polydactyly. Identifiers: Orphanet 36, MedGen C0796147, MONDO:0008708, OMIM 200990.

Allele frequency attached by ClinVar (database versions not stated): TOPMed 0.00004; 1000 Genomes Project 30x 0.00016; 1000 Genomes Project 0.00020; gnomAD 0.00001 and 0.00002; ExAC 0.00003; gnomAD exomes 0.00003.
gnomAD v4.1: 42 of 1,605,612 alleles (0.0026%); highest among the groups gnomAD compares: Admixed American, 0.005%; no homozygotes.

Submissions (4):

Labcorp Genetics (formerly Invitae), Labcorp
Classification: Uncertain significance for Acrocallosal syndrome. Last evaluated: 2024-10-25. Review status: criteria provided, single submitter. Criteria: Invitae Variant Classification Sherloc (09022015). Collection method: clinical testing. Allele origin: germline.
Comment: This sequence change replaces threonine, which is neutral and polar, with methionine, which is neutral and non-polar, at codon 1109 of the KIF7 protein (p.Thr1109Met). This variant is present in population databases (rs189960711, gnomAD 0.005%). This variant has not been reported in the literature in individuals affected with KIF7-related conditions. ClinVar contains an entry for this variant (Variation ID: 930849). Invitae Evidence Modeling of protein sequence and biophysical properties (such as structural, functional, and spatial information, amino acid conservation, physicochemical variation, residue mobility, and thermodynamic stability) has been performed for this missense variant. However, the output from this modeling did not meet the statistical confidence thresholds required to predict the impact of this variant on KIF7 protein function. In summary, the available evidence is currently insufficient to determine the role of this variant in disease. Therefore, it has been classified as a Variant of Uncertain Significance.

GeneDx
Classification: Uncertain significance. Last evaluated: 2024-08-16. Review status: criteria provided, single submitter. Criteria: GeneDx Variant Classification Process June 2021. Collection method: clinical testing. Allele origin: germline. Affected: yes.
Comment: Not observed at significant frequency in large population cohorts (gnomAD); In silico analysis supports that this missense variant has a deleterious effect on protein structure/function; Has not been previously published as pathogenic or benign to our knowledge

Centre for Mendelian Genomics, University Medical Centre Ljubljana
Classification: Uncertain significance for Hydrolethalus syndrome 2. Last evaluated: 2020-02-20. Review status: criteria provided, single submitter. Criteria: ACMG Guidelines, 2015. Collection method: clinical testing. Allele origin: unknown. Affected: yes.
Comment: This variant was classified as: Uncertain significance. The available evidence on this variant's pathogenicity is insufficient or conflicting. The following ACMG criteria were applied in classifying this variant: PM2,PP3,BP1.

PreventionGenetics, part of Exact Sciences
Classification: Uncertain significance for KIF7-related condition. Last evaluated: 2024-05-09. Review status: no assertion criteria provided. Collection method: clinical testing. Allele origin: germline. Not counted in ClinVar's aggregate classification.
Comment: The KIF7 c.3326C>T variant is predicted to result in the amino acid substitution p.Thr1109Met. To our knowledge, this variant has not been reported in the literature. This variant is reported in 0.0056% of alleles in individuals of Latino descent in gnomAD. At this time, the clinical significance of this variant is uncertain due to the absence of conclusive functional and genetic evidence.

NM_198525.3(KIF7):c.3326C>T (p.Thr1109Met)

Genes: KIF7 (kinesin family member 7; minus strand), LOC126862216 (BRD4-independent group 4 enhancer GRCh37_chr15:90171995-90173194; plus strand). Cytogenetic location: 15q26.1.
Variant type: single nucleotide variant.
Coding change: c.3326C>T on transcript NM_198525.3 (MANE Select); coding-DNA position 3326, C replaced by T.
Protein change: p.Thr1109Met; replaces threonine 1109 with methionine.
Molecular consequence: missense variant.
Genome position (GRCh38, 1-based): chr15:89,629,566, G>A on the plus strand (C>T on the coding strand, the complement: KIF7 is on the minus strand). VCF-style: chr15-89629566-G-A. GRCh37 (hg19) VCF-style: chr15-90172797-G-A.
Other names: short protein forms T1109M.
Identifiers: ClinVar variation 930849 (VCV000930849.5), dbSNP rs189960711, ClinGen allele CA7727739.